The following is an entry in ClinVar:

NM_000153.4(GALC):c.1033+1G>A

Gene: GALC (galactosylceramidase; minus strand). Cytogenetic location: 14q31.3.
Variant type: single nucleotide variant.
Coding change: c.1033+1G>A on transcript NM_000153.4 (MANE Select); the canonical splice donor site of the intron after coding-DNA position 1033, G replaced by A.
Molecular consequence: splice donor variant.
Genome position (GRCh38, 1-based): chr14:87,965,504, C>T on the plus strand (G>A on the coding strand, the complement: GALC is on the minus strand). VCF-style: chr14-87965504-C-T. GRCh37 (hg19) VCF-style: chr14-88431848-C-T.
Other names: c.964+1G>A (NM_001201401.2); c.955+1G>A (NM_001201402.2); c.1033+1G>A (NM_000153.3).
Identifiers: ClinVar variation 1067446 (VCV001067446.11), dbSNP rs2139996044, ClinGen allele CA390747397.

ClinVar aggregate classification (germline): Likely pathogenic. Review status: criteria provided, multiple submitters, no conflicts (2 of 4 stars). 2 submissions from 2 submitters: Likely pathogenic (2). Last evaluated 2025-10-20.

Conditions:
Galactosylceramide beta-galactosidase deficiency. Also called: Krabbe Disease; Leukodystrophy, Globoid Cell; GALACTOCEREBROSIDASE DEFICIENCY; GALC DEFICIENCY; GLOBOID CELL LEUKOENCEPHALOPATHY. Identifiers: Orphanet 487, MedGen C0023521, MONDO:0009499, OMIM 245200.

Allele frequency attached by ClinVar (database versions not stated): gnomAD exomes below 0.00001.
gnomAD v4.1: 1 of 1,613,388 alleles (0.000062%); no homozygotes.

Submissions (2):

Natera, Inc.
Classification: Likely pathogenic for Galactosylceramide beta-galactosidase deficiency. Last evaluated: 2025-10-20. Review status: criteria provided, single submitter. Criteria: Natera Variant Classification Schema (03/2026). Collection method: clinical testing. Allele origin: germline.
Comment: The c.1033+1G>A variant in GALC is a canonical splice donor site variant predicted to affect pre-mRNA splicing, which may result in an abnormal transcript and altered protein product. This variant is expected to result in nonsense mediated decay, truncation, or a dysfunctional protein product. This variant is rare in the general population with a frequency below the threshold expected for the associated phenotype(s). Given the available evidence, this variant is classified as Likely Pathogenic.

Labcorp Genetics (formerly Invitae), Labcorp
Classification: Likely pathogenic for Galactosylceramide beta-galactosidase deficiency. Last evaluated: 2020-06-13. Review status: criteria provided, single submitter. Criteria: Invitae Variant Classification Sherloc (09022015). Collection method: clinical testing. Allele origin: germline.
Comment: This sequence change affects a donor splice site in intron 9 of the GALC gene. It is expected to disrupt RNA splicing and likely results in an absent or disrupted protein product. In summary, the currently available evidence indicates that the variant is pathogenic, but additional data are needed to prove that conclusively. Therefore, this variant has been classified as Likely Pathogenic. Donor and acceptor splice site variants typically lead to a loss of protein function (PMID: 16199547), and loss-of-function variants in GALC are known to be pathogenic (PMID: 7437911, 9272171, 16607461). Algorithms developed to predict the effect of sequence changes on RNA splicing suggest that this variant may disrupt the consensus splice site, but this prediction has not been confirmed by published transcriptional studies. This variant has not been reported in the literature in individuals with GALC-related conditions. This variant is not present in population databases (ExAC no frequency).

Literature cited by the submitters: PubMed 16199547 (cited by Labcorp Genetics (formerly Invitae), Labcorp); PubMed 7437911 (cited by Labcorp Genetics (formerly Invitae), Labcorp); PubMed 9272171 (cited by Labcorp Genetics (formerly Invitae), Labcorp); PubMed 16607461 (cited by Labcorp Genetics (formerly Invitae), Labcorp).